The following is an entry in ClinVar:

ClinVar aggregate classification (germline): Likely pathogenic (1 of 4 stars; one submission).

Submission:

Dasa
Classification: Likely pathogenic. Last evaluated: 2025-10-14. Review status: criteria provided, single submitter. Criteria: DASA Assertion Criteria. Collection method: clinical testing. Allele origin: germline.
Comment: NM_139125.4(MASP1):c.917_936delinsT (p.Pro306Leufs*25) is a frameshift variant in MASP1 predicted to alter the reading frame and introduce a premature termination codon and is predicted to result in an absent or altered protein product. Loss of function is an established disease mechanism for MASP1-associated disorders. Also, this variant is absent from population databases. Based on the currently available evidence, this variant is classified as likely pathogenic.

NM_139125.4(MASP1):c.917_936delinsT (p.Pro306fs)

Gene: MASP1 (MBL associated serine protease 1; minus strand). Cytogenetic location: 3q27.3.
Variant type: Indel.
Coding change: c.917_936delinsT on transcript NM_139125.4 (MANE Select); coding-DNA positions 917 to 936, CTCCTGTCCATGGGAAAATC replaced by T.
Protein change: p.Pro306fs; shifts the reading frame from proline 306.
Molecular consequence: frameshift variant. On other transcripts: non-coding transcript variant (1).
Genome position (GRCh38, 1-based): chr3:187,251,709-187,251,728, GATTTTCCCATGGACAGGAG replaced by A on the plus strand (CTCCTGTCCATGGGAAAATC replaced by T on the coding strand, the reverse complement: MASP1 is on the minus strand). VCF-style: chr3-187251709-GATTTTCCCATGGACAGGAG-A. GRCh37 (hg19) VCF-style: chr3-186969497-GATTTTCCCATGGACAGGAG-A.
Other names: c.917_936delinsT, p.Pro306fs (NM_001031849.3, NM_001879.6); short protein forms P306fs.
Identifiers: ClinVar variation 4880812 (VCV004880812.2).